The following is an entry in ClinVar:

ClinVar aggregate classification (germline): Benign (1 of 4 stars; one submission).

Conditions:
Familial cancer of breast. Also called: Hereditary breast cancer; BREAST CANCER, FAMILIAL; hereditary breast carcinoma. Identifiers: Orphanet 227535, MedGen C0346153, MONDO:0016419, OMIM 114480. Disease mechanism: loss of function.

Submission:

Myriad Genetics, Inc.
Classification: Benign for Familial cancer of breast. Last evaluated: 2024-10-04. Review status: criteria provided, single submitter. Criteria: Myriad Autosomal Dominant, Autosomal Recessive and X-Linked Classification Criteria (2023). Collection method: clinical testing. Allele origin: unknown.
Comment: This variant is considered benign. This variant is a silent/synonymous amino acid change and it is not expected to impact splicing.

NM_007194.4(CHEK2):c.969C>A (p.Thr323=)

Gene: CHEK2 (checkpoint kinase 2; minus strand). Cytogenetic location: 22q12.1.
Variant type: single nucleotide variant.
Coding change: c.969C>A on transcript NM_007194.4 (MANE Select); coding-DNA position 969, C replaced by A.
Protein change: p.Thr323=; no amino-acid change (threonine 323 retained).
Molecular consequence: synonymous variant.
Genome position (GRCh38, 1-based): chr22:28,699,877, G>T on the plus strand (C>A on the coding strand, the complement: CHEK2 is on the minus strand). VCF-style: chr22-28699877-G-T. GRCh37 (hg19) VCF-style: chr22-29095865-G-T.
Other names: c.1098C>A, p.Thr366= (NM_001005735.3); c.306C>A, p.Thr102= (NM_001257387.3); c.768C>A, p.Thr256= (NM_001349956.3); c.969C>A, p.Thr323= (NM_145862.3).
Identifiers: ClinVar variation 3772892 (VCV003772892.1).